The following is an entry in ClinVar:

NM_004380.3(CREBBP):c.2950A>T (p.Asn984Tyr)

Gene: CREBBP (CREB binding lysine acetyltransferase; minus strand). Cytogenetic location: 16p13.3.
Variant type: single nucleotide variant.
Coding change: c.2950A>T on transcript NM_004380.3 (MANE Select); coding-DNA position 2950, A replaced by T.
Protein change: p.Asn984Tyr; replaces asparagine 984 with tyrosine.
Molecular consequence: missense variant.
Genome position (GRCh38, 1-based): chr16:3,769,284, T>A on the plus strand (A>T on the coding strand, the complement: CREBBP is on the minus strand). VCF-style: chr16-3769284-T-A. GRCh37 (hg19) VCF-style: chr16-3819285-T-A.
Other names: c.2836A>T, p.Asn946Tyr (NM_001079846.1); short protein forms N984Y, N946Y.
Identifiers: ClinVar variation 95038 (VCV000095038.19), dbSNP rs140406003, ClinGen allele CA222689.

ClinVar aggregate classification (germline): Conflicting classifications of pathogenicity. Review status: criteria provided, conflicting classifications (1 of 4 stars). 5 submissions from 5 submitters: Uncertain significance (1); Benign (1); Likely benign (2). 1 of the submissions does not count toward it. Last evaluated 2025-06-12.

Conditions:
CREBBP-related disorder. Also called: CREBBP-related disorders; CREBBP-related condition.
Inborn genetic diseases. Identifiers: MedGen C0950123, MeSH D030342.
Rubinstein-Taybi syndrome (RSTS). Identifiers: Orphanet 783, MedGen C0035934, MONDO:0019188.

Allele frequency attached by ClinVar (database versions not stated): gnomAD exomes 0.00008 and 0.00004; TOPMed 0.00045; gnomAD 0.00046 and 0.00049; ExAC 0.00011; 1000 Genomes Project 30x 0.00047; ESP Exome Variant Server 0.00062; 1000 Genomes Project 0.00060.
gnomAD v4.1: 126 of 1,614,158 alleles (0.0078%); highest among the groups gnomAD compares: African/African-American, 0.16%; no homozygotes.

Submissions (5):

Labcorp Genetics (formerly Invitae), Labcorp
Classification: Benign for Rubinstein-Taybi syndrome. Last evaluated: 2025-06-12. Review status: criteria provided, single submitter. Criteria: Invitae Variant Classification Sherloc (09022015). Collection method: clinical testing. Allele origin: germline.

Blueprint Genetics
Classification: Likely benign. Last evaluated: 2024-08-29. Review status: criteria provided, single submitter. Criteria: ACMG Guidelines, 2015. Collection method: clinical testing. Allele origin: germline.

Ambry Genetics
Classification: Likely benign for Inborn genetic diseases. Last evaluated: 2017-12-07. Review status: criteria provided, single submitter. Criteria: Ambry Variant Classification Scheme 2023. Collection method: clinical testing. Allele origin: germline.

Eurofins Ntd Llc (ga)
Classification: Uncertain significance. Last evaluated: 2013-03-18. Review status: criteria provided, single submitter. Criteria: EGL Classification Definitions 2015. Collection method: clinical testing. Allele origin: germline. Observed: 1 variant allele, 1 heterozygote.

PreventionGenetics, part of Exact Sciences
Classification: Likely benign for CREBBP-related condition. Last evaluated: 2021-08-19. Review status: no assertion criteria provided. Collection method: clinical testing. Allele origin: germline. Not counted in ClinVar's aggregate classification.
Comment: This variant is classified as likely benign based on ACMG/AMP sequence variant interpretation guidelines (Richards et al. 2015 PMID: 25741868, with internal and published modifications).